The following is an entry in ClinVar:

NM_001130823.3(DNMT1):c.1530G>T (p.Glu510Asp)

Gene: DNMT1 (DNA methyltransferase 1; minus strand). Cytogenetic location: 19p13.2.
Variant type: single nucleotide variant.
Coding change: c.1530G>T on transcript NM_001130823.3 (MANE Select); coding-DNA position 1530, G replaced by T.
Protein change: p.Glu510Asp; replaces glutamic acid 510 with aspartic acid.
Molecular consequence: missense variant.
Genome position (GRCh38, 1-based): chr19:10,155,019, C>A on the plus strand (G>T on the coding strand, the complement: DNMT1 is on the minus strand). VCF-style: chr19-10155019-C-A. GRCh37 (hg19) VCF-style: chr19-10265695-C-A.
Other names: c.1482G>T, p.Glu494Asp (NM_001318730.2, NM_001379.4); c.1167G>T, p.Glu389Asp (NM_001318731.2); short protein forms E389D, E494D, E510D.
Identifiers: ClinVar variation 2171437 (VCV002171437.4), dbSNP rs561762200, ClinGen allele CA403936404.

ClinVar aggregate classification (germline): Uncertain significance (1 of 4 stars; one submission).

Conditions:
Hereditary sensory neuropathy-deafness-dementia syndrome. Also called: Hereditary Sensory and Autonomic Neuropathy Type 1E (HSAN1E); NEUROPATHY, HEREDITARY SENSORY, WITH HEARING LOSS AND DEMENTIA; HSN IE; Hereditary sensory neuropathy type IE. Identifiers: Orphanet 456318, MedGen C3279885, MONDO:0013584, OMIM 614116.

gnomAD v4.1: 2 of 1,614,170 alleles (0.00012%); highest among the groups gnomAD compares: Admixed American, 0.0033%; no homozygotes.

Submission:

Labcorp Genetics (formerly Invitae), Labcorp
Classification: Uncertain significance for Hereditary sensory neuropathy-deafness-dementia syndrome. Last evaluated: 2022-11-22. Review status: criteria provided, single submitter. Criteria: Invitae Variant Classification Sherloc (09022015). Collection method: clinical testing. Allele origin: germline.
Comment: This sequence change replaces glutamic acid, which is acidic and polar, with aspartic acid, which is acidic and polar, at codon 510 of the DNMT1 protein (p.Glu510Asp). In summary, the available evidence is currently insufficient to determine the role of this variant in disease. Therefore, it has been classified as a Variant of Uncertain Significance. Algorithms developed to predict the effect of sequence changes on RNA splicing suggest that this variant may create or strengthen a splice site. Advanced modeling of protein sequence and biophysical properties (such as structural, functional, and spatial information, amino acid conservation, physicochemical variation, residue mobility, and thermodynamic stability) performed at Invitae indicates that this missense variant is not expected to disrupt DNMT1 protein function. This variant has not been reported in the literature in individuals affected with DNMT1-related conditions. This variant is present in population databases (no rsID available, gnomAD 0.003%).